The following is an entry in ClinVar:

ClinVar aggregate classification (germline): Conflicting classifications of pathogenicity. Review status: criteria provided, conflicting classifications (1 of 4 stars). 4 submissions from 4 submitters: Likely pathogenic (1); Uncertain significance (3). Last evaluated 2026-09-03.

Conditions:
Inborn genetic diseases. Identifiers: MedGen C0950123, MeSH D030342.
GDF5-related disorder. Also called: GDF5 (CDMP1)-related disorder; GDF5-related condition. Identifiers: MedGen CN169990.

Allele frequency attached by ClinVar (database versions not stated): ExAC 0.00001; TOPMed 0.00001.

Submissions (4):

PreventionGenetics, part of Exact Sciences
Classification: Uncertain significance for GDF5-related condition. Last evaluated: 2026-09-03. Review status: criteria provided, single submitter. Criteria: ACMG Guidelines, 2015. Collection method: clinical testing. Allele origin: germline.
Comment: The GDF5 c.612C>A variant is predicted to result in the amino acid substitution p.Ser204Arg. This variant was reported in an individual with brachydactyly type C (Everman et al. 2002. PubMed ID: 12357473). To our knowledge, this variant has not been reported in a large population database, indicating this variant is rare. Although we suspect that this variant may be pathogenic, however, at this time, the clinical significance of this variant is uncertain due to the absence of conclusive functional and genetic evidence.

Ambry Genetics
Classification: Uncertain significance for Inborn genetic diseases. Last evaluated: 2026-01-09. Review status: criteria provided, single submitter. Criteria: Ambry Variant Classification Scheme 2023. Collection method: clinical testing. Allele origin: germline.
Comment: The c.612C>A (p.S204R) alteration is located in exon 1 (coding exon 1) of the GDF5 gene. This alteration results from a C to A substitution at nucleotide position 612, causing the serine (S) at amino acid position 204 to be replaced by an arginine (R). The Genome Aggregation Database (gnomAD) data for this variant is unreliable due to technical and/or biological issues; therefore, population frequency estimates were not considered. This variant was reported in individual(s) with features consistent with GDF5-related osteochondrodysplasia (Everman, 2002). This amino acid position is highly conserved in available vertebrate species. This alteration is predicted to be deleterious by in silico analysis. Based on insufficient or conflicting evidence, the clinical significance of this alteration remains unclear.

Labcorp Genetics (formerly Invitae), Labcorp
Classification: Likely pathogenic. Last evaluated: 2025-07-28. Review status: criteria provided, single submitter. Criteria: Invitae Variant Classification Sherloc (09022015). Collection method: clinical testing. Allele origin: germline.
Comment: This sequence change replaces serine, which is neutral and polar, with arginine, which is basic and polar, at codon 204 of the GDF5 protein (p.Ser204Arg). This variant is not present in population databases (gnomAD no frequency). This missense change has been observed in individuals with brachydactyly type C (PMID: 12357473; internal data). ClinVar contains an entry for this variant (Variation ID: 2138342). Invitae Evidence Modeling of protein sequence and biophysical properties (such as structural, functional, and spatial information, amino acid conservation, physicochemical variation, residue mobility, and thermodynamic stability) has been performed for this missense variant. However, the output from this modeling did not meet the statistical confidence thresholds required to predict the impact of this variant on GDF5 protein function. In summary, the currently available evidence indicates that the variant is pathogenic, but additional data are needed to prove that conclusively. Therefore, this variant has been classified as Likely Pathogenic.

GeneDx
Classification: Uncertain significance. Last evaluated: 2025-03-17. Review status: criteria provided, single submitter. Criteria: GeneDx Variant Classification Process June 2021. Collection method: clinical testing. Allele origin: germline. Affected: yes.
Comment: Not observed at significant frequency in large population cohorts (gnomAD); In silico analysis supports that this missense variant has a deleterious effect on protein structure/function; This variant is associated with the following publications: (PMID: 12357473)

Literature cited by the submitters: PubMed 12357473 (cited by Ambry Genetics and Labcorp Genetics (formerly Invitae), Labcorp).

NM_000557.5(GDF5):c.612C>A (p.Ser204Arg)

Gene: GDF5 (growth differentiation factor 5; minus strand). Cytogenetic location: 20q11.22.
Variant type: single nucleotide variant.
Coding change: c.612C>A on transcript NM_000557.5 (MANE Select); coding-DNA position 612, C replaced by A.
Protein change: p.Ser204Arg; replaces serine 204 with arginine.
Molecular consequence: missense variant.
Genome position (GRCh38, 1-based): chr20:35,437,317, G>T on the plus strand (C>A on the coding strand, the complement: GDF5 is on the minus strand). VCF-style: chr20-35437317-G-T. GRCh37 (hg19) VCF-style: chr20-34025097-G-T.
Other names: c.612C>A, p.Ser204Arg (NM_001319138.2); c.612C>A (NM_000557.4, NM_000557.2); short protein forms S204R.
Identifiers: ClinVar variation 2138342 (VCV002138342.7), dbSNP rs770458453, ClinGen allele CA9832311.